The following is an entry in ClinVar:

NM_001048174.2(MUTYH):c.800C>T (p.Pro267Leu)

Gene: MUTYH (mutY DNA glycosylase; minus strand). Cytogenetic location: 1p34.1.
Variant type: single nucleotide variant.
Coding change: c.800C>T on transcript NM_001048174.2 (MANE Select); coding-DNA position 800, C replaced by T.
Protein change: p.Pro267Leu; replaces proline 267 with leucine.
Molecular consequence: missense variant. On other transcripts: non-coding transcript variant (2).
Genome position (GRCh38, 1-based): chr1:45,332,215, G>A on the plus strand (C>T on the coding strand, the complement: MUTYH is on the minus strand). VCF-style: chr1-45332215-G-A. GRCh37 (hg19) VCF-style: chr1-45797887-G-A.
Other names: c.800C>T, p.Pro267Leu (NM_001048171.2, NM_001048173.2, NM_001293195.2); c.803C>T, p.Pro268Leu (NM_001048172.2); c.884C>T, p.Pro295Leu (NM_001128425.2); c.845C>T, p.Pro282Leu (NM_001293190.2); c.833C>T, p.Pro278Leu (NM_001293191.2); c.524C>T, p.Pro175Leu (NM_001293192.2, NM_001293196.2); c.455C>T, p.Pro152Leu (NM_001350650.2, NM_001350651.2); c.875C>T, p.Pro292Leu (NM_012222.3); short protein forms P295L, P281L, P292L, P268L, P152L, P175L, P278L, P282L.
Identifiers: ClinVar variation 185242 (VCV000185242.88), dbSNP rs374950566, ClinGen allele CA014557.

ClinVar aggregate classification (germline): Pathogenic/Likely pathogenic. Review status: criteria provided, multiple submitters, no conflicts (2 of 4 stars). 26 submissions from 25 submitters: Pathogenic (17); Likely pathogenic (3). 6 of the submissions do not count toward it. Last evaluated 2025-12-01.

Conditions:
Hereditary cancer-predisposing syndrome. Also called: Tumor predisposition; Neoplastic Syndromes, Hereditary; Hereditary Cancer Syndrome; Hereditary neoplastic syndrome. Identifiers: Orphanet 140162, MedGen C0027672, MeSH D009386, MONDO:0015356.
Carcinoma of colon (CRC). Also called: Colon carcinoma; Colonic carcinoma. Identifiers: MedGen C0699790, MONDO:0002032.
Familial adenomatous polyposis 2. Also called: MUTYH Polyposis; ADENOMAS, MULTIPLE COLORECTAL, AUTOSOMAL RECESSIVE; Adenomas, multiple colorectal; MYH-associated polyposis; FAP type 2; MUTYH-related attenuated familial adenomatous polyposis. Identifiers: Orphanet 220460, Orphanet 247798, MedGen C3272841, MONDO:0012041, OMIM 608456.
Breast carcinoma. Also called: Carcinoma of breast. Identifiers: MedGen C0678222, MONDO:0004989, HP:0003002.

Allele frequency attached by ClinVar (database versions not stated): gnomAD exomes below 0.00001 and 0.00001; TOPMed below 0.00001; ExAC 0.00001; gnomAD 0.00001; ESP Exome Variant Server 0.00008.

Submissions 1 to 9 of 26:

Labcorp Genetics (formerly Invitae), Labcorp
Classification: Pathogenic for Familial adenomatous polyposis 2. Last evaluated: 2025-12-01. Review status: criteria provided, single submitter. Criteria: Invitae Variant Classification Sherloc (09022015). Collection method: clinical testing. Allele origin: germline.
Comment: This sequence change replaces proline, which is neutral and non-polar, with leucine, which is neutral and non-polar, at codon 295 of the MUTYH protein (p.Pro295Leu). This variant is present in population databases (rs374950566, gnomAD 0.004%). This missense change has been observed in individual(s) with polyposis and/or colorectal cancer (PMID: 19732775; internal data). In at least one individual the data is consistent with being in trans (on the opposite chromosome) from a pathogenic variant. ClinVar contains an entry for this variant (Variation ID: 185242). An algorithm developed to predict the effect of missense changes on protein structure and function (PolyPhen-2) suggests that this variant is likely to be disruptive. Experimental studies have shown that this missense change affects MUTYH function (PMID: 18534194, 25820570, 26377631). For these reasons, this variant has been classified as Pathogenic.

Institute of Human Genetics, University of Leipzig Medical Center
Classification: Pathogenic for Familial adenomatous polyposis 2. Last evaluated: 2025-06-30. Review status: criteria provided, single submitter. Criteria: ACMG Guidelines, 2015. Collection method: clinical testing. Allele origin: unknown. Inheritance: Autosomal recessive inheritance. Affected: yes.
Comment: Criteria applied: PS3,PM3_STR,PM2_SUP,PP3

Ambry Genetics
Classification: Pathogenic for Hereditary cancer-predisposing syndrome. Last evaluated: 2025-06-05. Review status: criteria provided, single submitter. Criteria: Ambry Variant Classification Scheme 2023. Collection method: clinical testing. Allele origin: germline.
Comment: The p.P295L pathogenic mutation (also known as c.884C>T), located in coding exon 10 of the MUTYH gene, results from a C to T substitution at nucleotide position 884. The proline at codon 295 is replaced by leucine, an amino acid with similar properties. This mutation has been described in multiple patients with adenomatous polyposis who were homozygous for this mutation or compound heterozygous for this and another pathogenic MUTYH alteration (Lejeune S et al. Hum. Mutat., 2006 Oct;27:1064; Vogt S et al. Gastroenterology, 2009 Dec;137:1976-85.e1-10; Jones N et al. Gastroenterology, 2009 Aug;137:489-94, 494.e1; quiz 725-6; Morak M et al. Clin. Genet., 2010 Oct;78:353-63; Croitoru ME et al. J Surg Oncol, 2007 May;95:499-506; Yanus GA et al. Clin. Genet., 2018 May;93:1015-1021). In vitro functional studies demonstrate DNA binding activity and base excision repair activity are severely defective (Ali M et al. Gastroenterology 2008 Aug; 135(2):499-507; Komine K et al. Hum. Mutat., 2015 Jul;36:704-11). Of note, this alteration is also described as p.P281L (c.842C>T) in published literature. This amino acid position is highly conserved in available vertebrate species. In addition, this alteration is predicted to be deleterious by in silico analysis. Based on the available evidence, this alteration is classified as a pathogenic mutation.

CeGaT Center for Human Genetics Tuebingen
Classification: Pathogenic. Last evaluated: 2025-06-01. Review status: criteria provided, single submitter. Criteria: CeGaT Center For Human Genetics Tuebingen Variant Classification Criteria Version 2. Collection method: clinical testing. Allele origin: germline. Affected: yes. Observed: 4 variant alleles.
Comment: MUTYH: PM3:Strong, PM1, PM2, PS3:Moderate

Women's Health and Genetics/Laboratory Corporation of America, LabCorp
Classification: Pathogenic for Familial adenomatous polyposis 2. Last evaluated: 2025-04-28. Review status: criteria provided, single submitter. Criteria: LabCorp Variant Classification Summary - May 2015. Collection method: clinical testing. Allele origin: germline.
Comment: Variant summary: MUTYH c.884C>T (p.Pro295Leu), also referred to as p.Pro281Leu, results in a non-conservative amino acid change in the encoded protein sequence. Five of five in-silico tools predict a damaging effect of the variant on protein function. The variant allele was found at a frequency of 1.2e-05 in 251116 control chromosomes. c.884C>T has been observed as a biallelic genotype in individuals affected with MUTYH-Associated Polyposis and in the heterozygous state in individuals affected with breast cancer and/or other types of cancer (e.g. Vogt_2009, Arslan_Ates_2022). These data indicate that the variant is likely to be associated with disease. Several publications report experimental evidence evaluating an impact on protein function and have found that the variant has severely defective glycosylase activity as well as DNA binding activity (e.g. Ali_2008, Komine_2015, Brinkmeyer_2015). The following publications have been ascertained in the context of this evaluation (PMID: 18534194, 35734982, 26377631, 25820570, 19732775). ClinVar contains an entry for this variant (Variation ID: 185242). Based on the evidence outlined above, the variant was classified as pathogenic for MUTYH-Associated Polyposis and Hereditary Breast And Ovarian Cancer Syndrome.

Center for Genomic Medicine, Rigshospitalet, Copenhagen University Hospital
Classification: Likely pathogenic. Last evaluated: 2025-03-04. Review status: criteria provided, single submitter. Criteria: ACMG Guidelines, 2015. Collection method: clinical testing. Allele origin: germline.

Quest Diagnostics Nichols Institute San Juan Capistrano
Classification: Pathogenic. Last evaluated: 2024-11-27. Review status: criteria provided, single submitter. Criteria: Quest Diagnostics criteria. Collection method: clinical testing. Allele origin: unknown.
Comment: The MUTYH c.884C>T (p.Pro295Leu) variant has been reported in the published literature in individuals affected with polyposis (PMIDs: 16941501 (2006), 34326862 (2021), 35418818 (2022)), colorectal cancer (PMIDs: 29406563 (2018), 32283892 (2020), 35418818 (2022)), and others affected or at risk for various cancers (PMIDs: 34637943 (2021), 35734982 (2022)). Functional studies showed this variant had severely defective DNA binding and defective glycosylase activity (PMIDs: 18534194 (2008), 26377631 (2015)). It was also unable to suppress spontaneous mutations compared to the wild-type (PMID: 25820570 (2015)). The frequency of this variant in the general population, 0.000026 (3/113520 chromosomes (Genome Aggregation Database)), is consistent with pathogenicity. Based on the available information, this variant is classified as pathogenic.

All of Us Research Program, National Institutes of Health
Classification: Pathogenic for Familial adenomatous polyposis 2. Last evaluated: 2024-07-29. Review status: criteria provided, single submitter. Criteria: ACMG Guidelines, 2015. Collection method: clinical testing. Allele origin: germline. Inheritance: Autosomal recessive inheritance. Observed: 3 variant alleles, 3 heterozygotes.
Comment: This missense variant replaces proline with leucine at codon 295 in the FeS cluster domain of the MUTYH protein. Computational prediction suggests that this variant may have deleterious impact on protein structure and function (internally defined REVEL score threshold >= 0.7, PMID: 27666373). Functional studies have shown that this variant causes deficient mismatch repair and DNA-binding (PMID: 18534194, 26377631). This variant has been reported in the homozygous state or compound heterozygous state in individuals affected with MUTYH-associated polyposis (PMID: 16557584, 16941501, 17219385, 19032956, 20618354, 29406563, 35238777). This variant has also been reported in individuals affected with colorectal cancer (PMID: 32658311, 33980423, 34271781) and breast cancer (PMID: 33471991, 33980423, 35089076; DOI: 10.14744/ejmo.2022.88057). This variant has been identified in 3/251116 chromosomes in the general population by the Genome Aggregation Database (gnomAD). Based on the available evidence, this variant is classified as Pathogenic.

This study involves interpretation of variants in research participants for the purpose of population health screening. Participant phenotype was not available at the time of variant classification. Additional details can be found in publication PMID: 35346344, PMCID: PMC8962531

Molecular Pathology, Peter Maccallum Cancer Centre
Classification: Pathogenic for Familial adenomatous polyposis 2. Last evaluated: 2024-06-26. Review status: criteria provided, single submitter. Criteria: ACMG Guidelines, 2015. Collection method: clinical testing. Allele origin: germline. Inheritance: Autosomal recessive inheritance.